The following is an entry in ClinVar:

NM_004082.5(DCTN1):c.1455G>A (p.Leu485=)

Gene: DCTN1 (dynactin subunit 1; minus strand). Cytogenetic location: 2p13.1.
Variant type: single nucleotide variant.
Coding change: c.1455G>A on transcript NM_004082.5 (MANE Select); coding-DNA position 1455, G replaced by A.
Protein change: p.Leu485=; no amino-acid change (leucine 485 retained).
Molecular consequence: synonymous variant. On other transcripts: non-coding transcript variant (1).
Genome position (GRCh38, 1-based): chr2:74,369,429, C>T on the plus strand (G>A on the coding strand, the complement: DCTN1 is on the minus strand). VCF-style: chr2-74369429-C-T. GRCh37 (hg19) VCF-style: chr2-74596556-C-T.
Other names: c.1395G>A, p.Leu465= (NM_001135040.3); c.1053G>A, p.Leu351= (NM_001135041.3, NM_023019.4); c.1344G>A, p.Leu448= (NM_001190836.2); c.1434G>A, p.Leu478= (NM_001190837.2); c.1404G>A, p.Leu468= (NM_001378991.1); c.1386G>A, p.Leu462= (NM_001378992.1).
Identifiers: ClinVar variation 3027041 (VCV003027041.22), dbSNP rs2529146132, ClinGen allele CA426815043.
Genomic context (GRCh38, chr2:74,369,429, plus strand): 5'-TGCCTCCACACGCTTCTGGGCCTCACGAACCCGCGCGCCTGCCATGTCCAGCTGCTCCCG[C>T]AGCTCCAGTTCTGTCTCACGTGCATTCTCCTGCAGCTCATCGTTCATCTCATTCATCGCT-3'
Protein context (NP_004073.2, residues 475-495): QENARETELE[Leu485=]REQLDMAGAR

ClinVar aggregate classification (germline): Likely benign (1 of 4 stars; one submission).

Allele frequency attached by ClinVar (database versions not stated): gnomAD exomes below 0.00001.
gnomAD v4.1: 1 of 1,614,212 alleles (0.000062%); highest among the groups gnomAD compares: Non-Finnish European, 0.000085%; no homozygotes.

Submission:

CeGaT Center for Human Genetics Tuebingen
Classification: Likely benign. Last evaluated: 2024-01-01. Review status: criteria provided, single submitter. Criteria: CeGaT Center For Human Genetics Tuebingen Variant Classification Criteria Version 2. Collection method: clinical testing. Allele origin: germline. Affected: yes. Observed: 1 variant allele.
Comment: DCTN1: PM2:Supporting, BP4, BP7